The following is an entry in ClinVar:

ClinVar aggregate classification (germline): Uncertain significance. Review status: criteria provided, multiple submitters, no conflicts (2 of 4 stars). 2 submissions from 2 submitters: Uncertain significance (2). Last evaluated 2024-12-11.

Conditions:
Lissencephaly 9 with complex brainstem malformation. Identifiers: Orphanet 572013, MedGen C5193029, MONDO:0032677, OMIM 618325.
Inborn genetic diseases. Identifiers: MedGen C0950123, MeSH D030342.

Submissions (2):

Ambry Genetics
Classification: Uncertain significance for Inborn genetic diseases. Last evaluated: 2024-12-11. Review status: criteria provided, single submitter. Criteria: Ambry Variant Classification Scheme 2023. Collection method: clinical testing. Allele origin: germline.

Baylor Genetics
Classification: Uncertain significance for Lissencephaly 9 with complex brainstem malformation. Last evaluated: 2020-05-05. Review status: criteria provided, single submitter. Criteria: ACMG Guidelines, 2015. Collection method: clinical testing. Allele origin: unknown. Affected: yes.
Comment: This variant was determined to be of uncertain significance according to ACMG Guidelines, 2015 [PMID:25741868].

NM_001394062.1(MACF1):c.3727A>G (p.Lys1243Glu)

Gene: MACF1 (microtubule actin crosslinking factor 1; plus strand). Cytogenetic location: 1p34.3.
Variant type: single nucleotide variant.
Coding change: c.3727A>G on transcript NM_001394062.1 (MANE Select); coding-DNA position 3727, A replaced by G.
Protein change: p.Lys1243Glu; replaces lysine 1243 with glutamic acid.
Molecular consequence: missense variant.
Genome position (GRCh38, 1-based): chr1:39,317,352, A>G. VCF-style: chr1-39317352-A-G. GRCh37 (hg19) VCF-style: chr1-39783024-A-G.
Other names: c.3742A>G, p.Lys1248Glu (NM_012090.5); c.3742A>G (NM_012090.4); short protein forms K1248E, K1243E.
Identifiers: ClinVar variation 1031172 (VCV001031172.2), dbSNP rs1646431784, ClinGen allele CA339786094.
Genomic context (GRCh38, chr1:39,317,352, plus strand): 5'-GCAGAGCAGATGAGTCGTCTGACACCAGAGCGAAATCTGGATTTGGAGCGCTATCAGGAA[A>G]AAGGCTCCCAGCTGCAGGAGCGTTGGCACCGAGTCATTGCCCAGCTCGAGATTCGGTGAG-3'
Protein context (NP_001380991.1, residues 1233-1253): RNLDLERYQE[Lys1243Glu]GSQLQERWHR